The following is an entry in ClinVar:

ClinVar aggregate classification (germline): Uncertain significance (1 of 4 stars; one submission).

Conditions:
Autosomal recessive limb-girdle muscular dystrophy type 2A (LGMDR1). Also called: Calpainopathy; MUSCULAR DYSTROPHY, PELVOFEMORAL; LEYDEN-MOEBIUS MUSCULAR DYSTROPHY; Muscular dystrophy, limb-girdle, type 2A, Amish; Limb-girdle muscular dystrophy, type 2A. Identifiers: Orphanet 267, MedGen C1869123, MONDO:0009675, OMIM 253600. Disease mechanism: loss of function.

Submission:

Labcorp Genetics (formerly Invitae), Labcorp
Classification: Uncertain significance for Autosomal recessive limb-girdle muscular dystrophy type 2A. Last evaluated: 2021-06-30. Review status: criteria provided, single submitter. Criteria: Invitae Variant Classification Sherloc (09022015). Collection method: clinical testing. Allele origin: germline.
Comment: Algorithms developed to predict the effect of missense changes on protein structure and function are either unavailable or do not agree on the potential impact of this missense change (SIFT: "Tolerated"; PolyPhen-2: "Probably Damaging"; Align-GVGD: "Class C0"). This sequence change replaces aspartic acid with glycine at codon 468 of the CAPN3 protein (p.Asp468Gly). The aspartic acid residue is highly conserved and there is a moderate physicochemical difference between aspartic acid and glycine. This variant is not present in population databases (ExAC no frequency). This variant has not been reported in the literature in individuals with CAPN3-related conditions. In summary, the available evidence is currently insufficient to determine the role of this variant in disease. Therefore, it has been classified as a Variant of Uncertain Significance.

NM_000070.3(CAPN3):c.1403A>G (p.Asp468Gly)

Gene: CAPN3 (calpain 3; plus strand). Cytogenetic location: 15q15.1.
Variant type: single nucleotide variant.
Coding change: c.1403A>G on transcript NM_000070.3 (MANE Select); coding-DNA position 1403, A replaced by G.
Protein change: p.Asp468Gly; replaces aspartic acid 468 with glycine.
Molecular consequence: missense variant.
Genome position (GRCh38, 1-based): chr15:42,401,689, A>G. VCF-style: chr15-42401689-A-G. GRCh37 (hg19) VCF-style: chr15-42693887-A-G.
Other names: c.1403A>G, p.Asp468Gly (NM_024344.2); c.1259A>G, p.Asp420Gly (NM_173087.2); short protein forms D420G, D468G.
Identifiers: ClinVar variation 1473589 (VCV001473589.8), dbSNP rs2141199495, ClinGen allele CA391999767.